The following is an entry in ClinVar:

NM_017671.5(FERMT1):c.815T>C (p.Phe272Ser)

Gene: FERMT1 (FERM domain containing kindlin 1; minus strand). Cytogenetic location: 20p12.3.
Variant type: single nucleotide variant.
Coding change: c.815T>C on transcript NM_017671.5 (MANE Select); coding-DNA position 815, T replaced by C.
Protein change: p.Phe272Ser; replaces phenylalanine 272 with serine.
Molecular consequence: missense variant.
Genome position (GRCh38, 1-based): chr20:6,107,566, A>G on the plus strand (T>C on the coding strand, the complement: FERMT1 is on the minus strand). VCF-style: chr20-6107566-A-G. GRCh37 (hg19) VCF-style: chr20-6088213-A-G.
Other names: short protein forms F272S.
Identifiers: ClinVar variation 2034579 (VCV002034579.4), dbSNP rs1488051189, ClinGen allele CA408186608.

ClinVar aggregate classification (germline): Uncertain significance (1 of 4 stars; one submission).

Allele frequency attached by ClinVar (database versions not stated): gnomAD exomes below 0.00001; TOPMed below 0.00001.
gnomAD v4.1: 1 of 1,612,892 alleles (0.000062%); highest among the groups gnomAD compares: East Asian, 0.0022%; no homozygotes.

Submission:

Labcorp Genetics (formerly Invitae), Labcorp
Classification: Uncertain significance. Last evaluated: 2023-11-27. Review status: criteria provided, single submitter. Criteria: Invitae Variant Classification Sherloc (09022015). Collection method: clinical testing. Allele origin: germline.
Comment: This sequence change replaces phenylalanine, which is neutral and non-polar, with serine, which is neutral and polar, at codon 272 of the FERMT1 protein (p.Phe272Ser). This variant is present in population databases (no rsID available, gnomAD 0.007%). This variant has not been reported in the literature in individuals affected with FERMT1-related conditions. ClinVar contains an entry for this variant (Variation ID: 2034579). Advanced modeling of protein sequence and biophysical properties (such as structural, functional, and spatial information, amino acid conservation, physicochemical variation, residue mobility, and thermodynamic stability) performed at Invitae indicates that this missense variant is expected to disrupt FERMT1 protein function with a positive predictive value of 80%. In summary, the available evidence is currently insufficient to determine the role of this variant in disease. Therefore, it has been classified as a Variant of Uncertain Significance.